The following is an entry in ClinVar:

NM_000171.4(GLRA1):c.664G>A (p.Asp222Asn)

Gene: GLRA1 (glycine receptor alpha 1; minus strand). Cytogenetic location: 5q33.1.
Variant type: single nucleotide variant.
Coding change: c.664G>A on transcript NM_000171.4 (MANE Select); coding-DNA position 664, G replaced by A.
Protein change: p.Asp222Asn; replaces aspartic acid 222 with asparagine.
Molecular consequence: missense variant.
Genome position (GRCh38, 1-based): chr5:151,855,073, C>T on the plus strand (G>A on the coding strand, the complement: GLRA1 is on the minus strand). VCF-style: chr5-151855073-C-T. GRCh37 (hg19) VCF-style: chr5-151234634-C-T.
Other names: c.664G>A, p.Asp222Asn (NM_001146040.2); c.415G>A, p.Asp139Asn (NM_001292000.2); short protein forms D139N, D222N.
Identifiers: ClinVar variation 1022982 (VCV001022982.8), dbSNP rs1446144797, ClinGen allele CA361839667.

ClinVar aggregate classification (germline): Uncertain significance (1 of 4 stars; one submission).

Conditions:
Hereditary hyperekplexia. Identifiers: Orphanet 3197, MedGen C4084968, MONDO:0021022.

Allele frequency attached by ClinVar (database versions not stated): gnomAD exomes below 0.00001; gnomAD 0.00001; TOPMed 0.00002.
gnomAD v4.1: 4 of 1,614,014 alleles (0.00025%); highest among the groups gnomAD compares: African/African-American, 0.0053%; no homozygotes.

Submission:

Labcorp Genetics (formerly Invitae), Labcorp
Classification: Uncertain significance for Hereditary hyperekplexia. Last evaluated: 2025-10-06. Review status: criteria provided, single submitter. Criteria: Invitae Variant Classification Sherloc (09022015). Collection method: clinical testing. Allele origin: germline.
Comment: This sequence change replaces aspartic acid, which is acidic and polar, with asparagine, which is neutral and polar, at codon 222 of the GLRA1 protein (p.Asp222Asn). This variant is present in population databases (no rsID available, gnomAD 0.02%). This variant has not been reported in the literature in individuals affected with GLRA1-related conditions. ClinVar contains an entry for this variant (Variation ID: 1022982). Invitae Evidence Modeling of protein sequence and biophysical properties (such as structural, functional, and spatial information, amino acid conservation, physicochemical variation, residue mobility, and thermodynamic stability) has been performed for this missense variant. However, the output from this modeling did not meet the statistical confidence thresholds required to predict the impact of this variant on GLRA1 protein function. In summary, the available evidence is currently insufficient to determine the role of this variant in disease. Therefore, it has been classified as a Variant of Uncertain Significance.